The following is an entry in ClinVar:

NM_182641.4(BPTF):c.7126C>A (p.Pro2376Thr)

Gene: BPTF (bromodomain PHD finger transcription factor; plus strand). Cytogenetic location: 17q24.2.
Variant type: single nucleotide variant.
Coding change: c.7126C>A on transcript NM_182641.4 (MANE Select); coding-DNA position 7126, C replaced by A.
Protein change: p.Pro2376Thr; replaces proline 2376 with threonine.
Molecular consequence: missense variant.
Genome position (GRCh38, 1-based): chr17:67,945,834, C>A. VCF-style: chr17-67945834-C-A. GRCh37 (hg19) VCF-style: chr17-65941950-C-A.
Other names: c.7504C>A, p.Pro2502Thr (NM_004459.7); c.7126C>A (NM_182641.3); short protein forms P2376T, P2502T.
Identifiers: ClinVar variation 1313428 (VCV001313428.3), dbSNP rs145519434, ClinGen allele CA400724418.
Genomic context (GRCh38, chr17:67,945,834, plus strand): 5'-CCATCCCAACTGTCTCCTGGACAACAATCCCAGGTTCAGACTACAACCTCACAACCGATT[C>A]CAATTCAACCACATACATCTCTTCAGATACCTTCCCAAGGCCAGCCACAGTCACAACCCC-3'
Protein context (NP_872579.2, residues 2366-2386): QVQTTTSQPI[Pro2376Thr]IQPHTSLQIP

ClinVar aggregate classification (germline): Uncertain significance. Review status: criteria provided, multiple submitters, no conflicts (2 of 4 stars). 2 submissions from 2 submitters: Uncertain significance (2). Last evaluated 2025-02-12.

Conditions:
Inborn genetic diseases. Identifiers: MedGen C0950123, MeSH D030342.

Submissions (2):

Ambry Genetics
Classification: Uncertain significance for Inborn genetic diseases. Last evaluated: 2025-02-12. Review status: criteria provided, single submitter. Criteria: Ambry Variant Classification Scheme 2023. Collection method: clinical testing. Allele origin: germline.

GeneDx
Classification: Uncertain significance. Last evaluated: 2020-10-28. Review status: criteria provided, single submitter. Criteria: GeneDx Variant Classification Process June 2021. Collection method: clinical testing. Allele origin: germline. Affected: yes.
Comment: Not observed in large population cohorts (Lek et al., 2016); In silico analysis supports that this missense variant has a deleterious effect on protein structure/function; Has not been previously published as pathogenic or benign to our knowledge